The following is an entry in ClinVar:

ClinVar aggregate classification (germline): Uncertain significance. Review status: criteria provided, multiple submitters, no conflicts (2 of 4 stars). 2 submissions from 2 submitters: Uncertain significance (2). Last evaluated 2026-01-02.

Conditions:
RELB-related disorder. Also called: RELB-related condition.

Allele frequency attached by ClinVar (database versions not stated): gnomAD exomes 0.00005 and 0.00008; gnomAD 0.00006 and 0.00007; TOPMed 0.00008.
gnomAD v4.1: 114 of 1,519,178 alleles (0.0075%); highest among the groups gnomAD compares: Non-Finnish European, 0.0096%; no homozygotes.

Submissions (2):

Labcorp Genetics (formerly Invitae), Labcorp
Classification: Uncertain significance. Last evaluated: 2026-01-02. Review status: criteria provided, single submitter. Criteria: Invitae Variant Classification Sherloc (09022015). Collection method: clinical testing. Allele origin: germline.
Comment: This sequence change replaces glycine, which is neutral and non-polar, with arginine, which is basic and polar, at codon 36 of the RELB protein (p.Gly36Arg). This variant is present in population databases (no rsID available, gnomAD 0.01%). This variant has not been reported in the literature in individuals affected with RELB-related conditions. ClinVar contains an entry for this variant (Variation ID: 1413689). An algorithm developed to predict the effect of missense changes on protein structure and function (PolyPhen-2) suggests that this variant is likely to be disruptive. In summary, the available evidence is currently insufficient to determine the role of this variant in disease. Therefore, it has been classified as a Variant of Uncertain Significance.

PreventionGenetics, part of Exact Sciences
Classification: Uncertain significance for RELB-related condition. Last evaluated: 2022-09-13. Review status: criteria provided, single submitter. Criteria: ACMG Guidelines, 2015. Collection method: clinical testing. Allele origin: germline.
Comment: The RELB c.106G>A variant is predicted to result in the amino acid substitution p.Gly36Arg. To our knowledge, this variant has not been reported in the literature. This variant is reported in 0.012% of alleles in individuals of European (Non-Finnish) descent in gnomAD. At this time, the clinical significance of this variant is uncertain due to the absence of conclusive functional and genetic evidence.

NM_006509.4(RELB):c.106G>A (p.Gly36Arg)

Genes: RELB (RELB proto-oncogene, NF-kB subunit; plus strand), LOC130064661 (ATAC-STARR-seq lymphoblastoid silent region 10746; plus strand). Cytogenetic location: 19q13.32.
Variant type: single nucleotide variant.
Coding change: c.106G>A on transcript NM_006509.4 (MANE Select); coding-DNA position 106, G replaced by A.
Protein change: p.Gly36Arg; replaces glycine 36 with arginine.
Molecular consequence: missense variant.
Genome position (GRCh38, 1-based): chr19:45,001,685, G>A. VCF-style: chr19-45001685-G-A. GRCh37 (hg19) VCF-style: chr19-45504943-G-A.
Other names: c.106G>A (NM_006509.3); short protein forms G36R.
Identifiers: ClinVar variation 1413689 (VCV001413689.7), dbSNP rs1002682627, ClinGen allele CA308925639.